The following is an entry in ClinVar:

NM_173551.5(ANKS6):c.530G>A (p.Gly177Asp)

Gene: ANKS6 (ankyrin repeat and sterile alpha motif domain containing 6; minus strand). Cytogenetic location: 9q22.33.
Variant type: single nucleotide variant.
Coding change: c.530G>A on transcript NM_173551.5 (MANE Select); coding-DNA position 530, G replaced by A.
Protein change: p.Gly177Asp; replaces glycine 177 with aspartic acid.
Molecular consequence: missense variant.
Genome position (GRCh38, 1-based): chr9:98,790,436, C>T on the plus strand (G>A on the coding strand, the complement: ANKS6 is on the minus strand). VCF-style: chr9-98790436-C-T. GRCh37 (hg19) VCF-style: chr9-101552718-C-T.
Other names: short protein forms G177D.
Identifiers: ClinVar variation 3596106 (VCV003596106.2).
Genomic context (GRCh38, chr9:98,790,436, plus strand): 5'-GCCATCAGGGCTGTGATGTCCAAGGGCTCATCCCTGCTGCCGCCCAACCCCAGTTGCTCG[C>T]CTGAAGGGTGGTGATGGTCCACAAAGGCACCGGCTTCCAGGAGCAGCTTCACCACACCCA-3'
Protein context (NP_775822.3, residues 167-187): GAFVDHHHPS[Gly177Asp]EQLGLGGSRD

ClinVar aggregate classification (germline): Uncertain significance. Review status: criteria provided, multiple submitters, no conflicts (2 of 4 stars). 2 submissions from 2 submitters: Uncertain significance (2). Last evaluated 2025-05-07.

Conditions:
Nephronophthisis 16 (NPHP16). Identifiers: Orphanet 655, MedGen C3809320, MONDO:0014158, OMIM 615382.

gnomAD v4.1: 1 of 1,613,678 alleles (0.000062%); no homozygotes.

Submissions (2):

Labcorp Genetics (formerly Invitae), Labcorp
Classification: Uncertain significance for Nephronophthisis 16. Last evaluated: 2025-05-07. Review status: criteria provided, single submitter. Criteria: Invitae Variant Classification Sherloc (09022015). Collection method: clinical testing. Allele origin: germline.
Comment: This sequence change replaces glycine, which is neutral and non-polar, with aspartic acid, which is acidic and polar, at codon 177 of the ANKS6 protein (p.Gly177Asp). This variant is not present in population databases (gnomAD no frequency). This variant has not been reported in the literature in individuals affected with ANKS6-related conditions. ClinVar contains an entry for this variant (Variation ID: 3596106). An algorithm developed to predict the effect of missense changes on protein structure and function (PolyPhen-2) suggests that this variant is likely to be tolerated. In summary, the available evidence is currently insufficient to determine the role of this variant in disease. Therefore, it has been classified as a Variant of Uncertain Significance.

Fulgent Genetics
Classification: Uncertain significance for Nephronophthisis 16. Last evaluated: 2024-02-20. Review status: criteria provided, single submitter. Criteria: ACMG Guidelines, 2015. Collection method: clinical testing. Allele origin: germline.